The following is an entry in ClinVar:

ClinVar aggregate classification (germline): Uncertain significance (1 of 4 stars; one submission).

Conditions:
Polyglandular autoimmune syndrome, type 1 (APS1). Also called: AUTOIMMUNE POLYENDOCRINE SYNDROME, TYPE I, WITH OR WITHOUT REVERSIBLE METAPHYSEAL DYSPLASIA; APS I; Autoimmune polyendocrine syndrome type 1; Autoimmune polyendocrinopathy syndrome, type I; Whitaker syndrome; HYPOADRENOCORTICISM WITH HYPOPARATHYROIDISM AND SUPERFICIAL MONILIASIS. Identifiers: Orphanet 3453, MedGen C0085859, MONDO:0009411, OMIM 240300.

Allele frequency attached by ClinVar (database versions not stated): gnomAD exomes below 0.00001.
gnomAD v4.1: 1 of 1,612,556 alleles (0.000062%); highest among the groups gnomAD compares: Non-Finnish European, 0.000085%; no homozygotes.

Submission:

Labcorp Genetics (formerly Invitae), Labcorp
Classification: Uncertain significance for Polyglandular autoimmune syndrome, type 1. Last evaluated: 2022-12-03. Review status: criteria provided, single submitter. Criteria: Invitae Variant Classification Sherloc (09022015). Collection method: clinical testing. Allele origin: germline.
Comment: In summary, the available evidence is currently insufficient to determine the role of this variant in disease. Therefore, it has been classified as a Variant of Uncertain Significance. Advanced modeling of protein sequence and biophysical properties (such as structural, functional, and spatial information, amino acid conservation, physicochemical variation, residue mobility, and thermodynamic stability) performed at Invitae indicates that this missense variant is not expected to disrupt AIRE protein function. This variant has not been reported in the literature in individuals affected with AIRE-related conditions. This variant is not present in population databases (gnomAD no frequency). This sequence change replaces glycine, which is neutral and non-polar, with valine, which is neutral and non-polar, at codon 374 of the AIRE protein (p.Gly374Val).

NM_000383.4(AIRE):c.1121G>T (p.Gly374Val)

Gene: AIRE (autoimmune regulator; plus strand). Cytogenetic location: 21q22.3.
Variant type: single nucleotide variant.
Coding change: c.1121G>T on transcript NM_000383.4 (MANE Select); coding-DNA position 1121, G replaced by T.
Protein change: p.Gly374Val; replaces glycine 374 with valine.
Molecular consequence: missense variant.
Genome position (GRCh38, 1-based): chr21:44,293,018, G>T. VCF-style: chr21-44293018-G-T. GRCh37 (hg19) VCF-style: chr21-45712901-G-T.
Other names: short protein forms G374V.
Identifiers: ClinVar variation 2813728 (VCV002813728.3), dbSNP rs1255656504, ClinGen allele CA410425296.